The following is an entry in ClinVar:

ClinVar aggregate classification (germline): Uncertain significance (1 of 4 stars; one submission).

Conditions:
DIP2C-related disorder. Also called: DIP2C-related condition.

Submission:

PreventionGenetics, part of Exact Sciences
Classification: Uncertain significance for DIP2C-related condition. Last evaluated: 2026-08-13. Review status: criteria provided, single submitter. Criteria: ACMG Guidelines, 2015. Collection method: clinical testing. Allele origin: germline.
Comment: The DIP2C c.1337A>G variant is predicted to result in the amino acid substitution p.His446Arg. To our knowledge, this variant has not been reported in the literature or in a large population database (gnomAD), indicating this variant is rare. At this time, the clinical significance of this variant is uncertain due to the absence of conclusive functional and genetic evidence.

NM_014974.3(DIP2C):c.1337A>G (p.His446Arg)

Gene: DIP2C (DIP2 acetate--CoA ligase C (putative); minus strand). Cytogenetic location: 10p15.3.
Variant type: single nucleotide variant.
Coding change: c.1337A>G on transcript NM_014974.3 (MANE Select); coding-DNA position 1337, A replaced by G.
Protein change: p.His446Arg; replaces histidine 446 with arginine.
Molecular consequence: missense variant.
Genome position (GRCh38, 1-based): chr10:390,787, T>C on the plus strand (A>G on the coding strand, the complement: DIP2C is on the minus strand). VCF-style: chr10-390787-T-C. GRCh37 (hg19) VCF-style: chr10-436727-T-C.
Other names: short protein forms H446R.
Identifiers: ClinVar variation 4994024 (VCV004994024.1).